The following is an entry in ClinVar:

NM_000093.5(COL5A1):c.924+14G>A

Gene: COL5A1 (collagen type V alpha 1 chain; plus strand). Cytogenetic location: 9q34.3.
Variant type: single nucleotide variant.
Coding change: c.924+14G>A on transcript NM_000093.5 (MANE Select); 14 bases into the intron after coding-DNA position 924, G replaced by A.
Molecular consequence: intron variant.
Genome position (GRCh38, 1-based): chr9:134,728,821, G>A. VCF-style: chr9-134728821-G-A. GRCh37 (hg19) VCF-style: chr9-137620667-G-A.
Other names: c.924+14G>A (NM_001278074.1).
Identifiers: ClinVar variation 136925 (VCV000136925.18), dbSNP rs200595318, ClinGen allele CA290345.

ClinVar aggregate classification (germline): Benign/Likely benign. Review status: criteria provided, multiple submitters, no conflicts (2 of 4 stars). 7 submissions from 7 submitters: Benign (3); Likely benign (4). Last evaluated 2026-01-26.

Conditions:
Ehlers-Danlos syndrome, classic type, 1 (EDSCL1). Also called: Ehlers-Danlos syndrome, type 1; EHLERS-DANLOS SYNDROME, GRAVIS TYPE; EHLERS-DANLOS SYNDROME, SEVERE CLASSIC TYPE; Ehlers-Danlos Syndrome, Classic Type, COL5A1-Related; EDS I. Identifiers: MedGen C0268335, MONDO:0019567, OMIM 130000.
Ehlers-Danlos syndrome, classic type (cEDS). Identifiers: Orphanet 287, MedGen C4225429, MONDO:0007522.

Allele frequency attached by ClinVar (database versions not stated): ESP Exome Variant Server 0.00015; TOPMed 0.00021; ExAC 0.00038; gnomAD 0.00041.
gnomAD v4.1: 630 of 1,613,822 alleles (0.039%); highest among the groups gnomAD compares: Non-Finnish European, 0.047%; 1 homozygote.

Submissions (7):

Labcorp Genetics (formerly Invitae), Labcorp
Classification: Benign for Ehlers-Danlos syndrome, classic type, 1. Last evaluated: 2026-01-26. Review status: criteria provided, single submitter. Criteria: Invitae Variant Classification Sherloc (09022015). Collection method: clinical testing. Allele origin: germline.

Blueprint Genetics
Classification: Likely benign. Last evaluated: 2024-11-15. Review status: criteria provided, single submitter. Criteria: ACMG Guidelines, 2015. Collection method: clinical testing. Allele origin: germline.

ARUP Laboratories, Molecular Genetics and Genomics, ARUP Laboratories
Classification: Likely benign. Last evaluated: 2024-02-27. Review status: criteria provided, single submitter. Criteria: ARUP Molecular Germline Variant Investigation Process 2024. Collection method: clinical testing. Allele origin: germline.

Women's Health and Genetics/Laboratory Corporation of America, LabCorp
Classification: Benign. Last evaluated: 2023-07-21. Review status: criteria provided, single submitter. Criteria: LabCorp Variant Classification Summary - May 2015. Collection method: clinical testing. Allele origin: germline.

Illumina Laboratory Services, Illumina
Classification: Likely benign for Ehlers-Danlos syndrome, classic type, 1. Last evaluated: 2018-01-13. Review status: criteria provided, single submitter. Criteria: ICSL Variant Classification Criteria 13 December 2019. Collection method: clinical testing. Allele origin: germline.
Comment: This variant was observed in the ICSL laboratory as part of a predisposition screen in an ostensibly healthy population. It had not been previously curated by ICSL or reported in the Human Gene Mutation Database (HGMD: prior to June 1st, 2018), and was therefore a candidate for classification through an automated scoring system. Utilizing variant allele frequency, disease prevalence and penetrance estimates, and inheritance mode, an automated score was calculated to assess if this variant is too frequent to cause the disease. Based on the score and internal cut-off values, a variant classified as likely benign is not then subjected to further curation. The score for this variant resulted in a classification of likely benign for this disease.

GeneDx
Classification: Benign. Last evaluated: 2014-06-09. Review status: criteria provided, single submitter. Criteria: GeneDx Variant Classification (06012015). Collection method: clinical testing. Allele origin: germline. Affected: yes.
Comment: This variant is considered likely benign or benign based on one or more of the following criteria: it is a conservative change, it occurs at a poorly conserved position in the protein, it is predicted to be benign by multiple in silico algorithms, and/or has population frequency not consistent with disease.

PreventionGenetics, part of Exact Sciences
Classification: Likely benign. Review status: criteria provided, single submitter. Criteria: ACMG Guidelines, 2015. Collection method: clinical testing. Allele origin: germline.